The following is an entry in ClinVar:

ClinVar aggregate classification (germline): Uncertain significance (1 of 4 stars; one submission).

Conditions:
Oligodontia-cancer predisposition syndrome. Also called: TOOTH AGENESIS-COLORECTAL CANCER SYNDROME. Identifiers: Orphanet 300576, MedGen C1837750, MONDO:0012075, OMIM 608615. Disease mechanism: loss of function.

Submission:

Labcorp Genetics (formerly Invitae), Labcorp
Classification: Uncertain significance for Oligodontia-cancer predisposition syndrome. Last evaluated: 2025-01-20. Review status: criteria provided, single submitter. Criteria: Invitae Variant Classification Sherloc (09022015). Collection method: clinical testing. Allele origin: germline.
Comment: This sequence change replaces aspartic acid, which is acidic and polar, with tyrosine, which is neutral and polar, at codon 278 of the AXIN2 protein (p.Asp278Tyr). This variant is not present in population databases (gnomAD no frequency). This variant has not been reported in the literature in individuals affected with AXIN2-related conditions. ClinVar contains an entry for this variant (Variation ID: 964552). Invitae Evidence Modeling of protein sequence and biophysical properties (such as structural, functional, and spatial information, amino acid conservation, physicochemical variation, residue mobility, and thermodynamic stability) indicates that this missense variant is not expected to disrupt AXIN2 protein function with a negative predictive value of 80%. In summary, the available evidence is currently insufficient to determine the role of this variant in disease. Therefore, it has been classified as a Variant of Uncertain Significance.

NM_004655.4(AXIN2):c.832G>T (p.Asp278Tyr)

Gene: AXIN2 (axin 2; minus strand). Cytogenetic location: 17q24.1.
Variant type: single nucleotide variant.
Coding change: c.832G>T on transcript NM_004655.4 (MANE Select); coding-DNA position 832, G replaced by T.
Protein change: p.Asp278Tyr; replaces aspartic acid 278 with tyrosine.
Molecular consequence: missense variant.
Genome position (GRCh38, 1-based): chr17:65,549,644, C>A on the plus strand (G>T on the coding strand, the complement: AXIN2 is on the minus strand). VCF-style: chr17-65549644-C-A. GRCh37 (hg19) VCF-style: chr17-63545762-C-A.
Other names: c.832G>T, p.Asp278Tyr (NM_001363813.1); short protein forms D278Y.
Identifiers: ClinVar variation 964552 (VCV000964552.9), dbSNP rs878854737, ClinGen allele CA400679678.